The following is an entry in ClinVar:

ClinVar aggregate classification (germline): Pathogenic/Likely pathogenic. Review status: criteria provided, multiple submitters, no conflicts (2 of 4 stars). 2 submissions from 2 submitters: Pathogenic (1); Likely pathogenic (1). Last evaluated 2024-03-02.

Conditions:
Pontocerebellar hypoplasia type 6 (PCH6). Identifiers: Orphanet 166073, MedGen C1969084, MONDO:0012683, OMIM 611523.

Submissions (2):

Baylor Genetics
Classification: Likely pathogenic for Pontocerebellar hypoplasia type 6. Last evaluated: 2024-03-02. Review status: criteria provided, single submitter. Criteria: ACMG Guidelines, 2015. Collection method: clinical testing. Allele origin: unknown.

Labcorp Genetics (formerly Invitae), Labcorp
Classification: Pathogenic. Last evaluated: 2022-11-14. Review status: criteria provided, single submitter. Criteria: Invitae Variant Classification Sherloc (09022015). Collection method: clinical testing. Allele origin: germline.
Comment: This sequence change creates a premature translational stop signal (p.Arg254Hisfs*12) in the RARS2 gene. It is expected to result in an absent or disrupted protein product. Loss-of-function variants in RARS2 are known to be pathogenic (PMID: 17847012, 22569581, 26083569). This variant is not present in population databases (gnomAD no frequency). This variant has not been reported in the literature in individuals affected with RARS2-related conditions. For these reasons, this variant has been classified as Pathogenic.

Literature cited by the submitters: PubMed 17847012 (cited by Labcorp Genetics (formerly Invitae), Labcorp); PubMed 22569581 (cited by Labcorp Genetics (formerly Invitae), Labcorp); PubMed 26083569 (cited by Labcorp Genetics (formerly Invitae), Labcorp).

NM_020320.5(RARS2):c.757_760dup (p.Arg254fs)

Gene: RARS2 (arginyl-tRNA synthetase 2, mitochondrial; minus strand). Cytogenetic location: 6q15.
Variant type: Duplication.
Coding change: c.757_760dup on transcript NM_020320.5 (MANE Select); coding-DNA positions 757 to 760, 4 bases duplicated (ATTC; older notation c.757_760dupATTC).
Protein change: p.Arg254fs; shifts the reading frame from arginine 254.
Molecular consequence: frameshift variant. On other transcripts: non-coding transcript variant (23).
Genome position (GRCh38, 1-based): chr6:87,530,795-87,530,798, GAAT duplicated on the plus strand (ATTC on the coding strand, the reverse complement: RARS2 is on the minus strand); duplicating any 4 consecutive bases within chr6:87,530,795-87,530,799 gives the same sequence; the c. name uses the placement nearest the transcript's 3' end. VCF-style (leftmost placement, unchanged base first): chr6-87530794-C-CGAAT. GRCh37 (hg19) VCF-style: chr6-88240512-C-CGAAT.
Other names: c.232_235dup, p.Arg79fs (NM_001318785.2, NM_001350506.2, NM_001350507.2 and 4 more transcripts); c.757_760dup, p.Arg254fs (NM_001350505.2); short protein forms R254fs, R79fs.
Identifiers: ClinVar variation 2814297 (VCV002814297.4), dbSNP rs2483587351, ClinGen allele CA2739273319.